The following is an entry in ClinVar:

NM_018429.3(BDP1):c.3608C>T (p.Thr1203Ile)

Gene: BDP1 (B double prime 1, subunit of RNA polymerase III transcription initiation factor IIIB; plus strand). Cytogenetic location: 5q13.2.
Variant type: single nucleotide variant.
Coding change: c.3608C>T on transcript NM_018429.3 (MANE Select); coding-DNA position 3608, C replaced by T.
Protein change: p.Thr1203Ile; replaces threonine 1203 with isoleucine.
Molecular consequence: missense variant.
Genome position (GRCh38, 1-based): chr5:71,510,700, C>T. VCF-style: chr5-71510700-C-T. GRCh37 (hg19) VCF-style: chr5-70806527-C-T.
Other names: short protein forms T1203I.
Identifiers: ClinVar variation 1049224 (VCV001049224.1), dbSNP rs746129660, ClinGen allele CA3296496.
Genomic context (GRCh38, chr5:71,510,700, plus strand): 5'-GGGAGAAGACACGAGAGGTGATTGATGCTGCTGAGGTAATAGAGACAGATTTGGAAGAAA[C>T]TGAAAGAGAAATATCGCCACAGGAAAATGGCCCAGAGGAGGTCAAGCCTGTAGGTAAAAT-3'
Protein context (NP_060899.2, residues 1193-1213): AEVIETDLEE[Thr1203Ile]EREISPQENG

ClinVar aggregate classification (germline): Uncertain significance (0 of 4 stars; one submission).

Submission:

Department of Pathology and Laboratory Medicine, Sinai Health System
Classification: Uncertain significance. Review status: no assertion criteria provided. Collection method: clinical testing. Allele origin: unknown. Affected: yes. Study: The Canadian Open Genetics Repository (COGR).
Comment: The BDP1 p.Thr1203Ile variant was not identified in the literature nor was it identified in ClinVar or LOVD 3.0. The variant was identified in dbSNP (ID: rs746129660) and in control databases in 1 of 249036 chromosomes at a frequency of 0.000004 (Genome Aggregation Database March 6, 2019, v2.1.1). The variant was observed in the European (non-Finnish) population in 1 of 112970 chromosomes (freq: 0.000009), but was not observed in the African, Latino, Ashkenazi Jewish, East Asian, European (Finnish), Other, or South Asian populations. The p.Thr1203 residue is not conserved in mammals and computational analyses (PolyPhen-2, SIFT, AlignGVGD, BLOSUM, MutationTaster) provide inconsistent predictions regarding the impact to the protein; this information is not very predictive of pathogenicity. The variant occurs outside of the splicing consensus sequence and in silico or computational prediction software programs (SpliceSiteFinder, MaxEntScan, NNSPLICE, GeneSplicer) do not predict a difference in splicing. In summary, based on the above information the clinical significance of this variant cannot be determined with certainty at this time. This variant is classified as a variant of uncertain significance.